The following is an entry in ClinVar:

NM_133497.4(KCNV2):c.1156_1164del (p.Arg386_Leu388del)

Gene: KCNV2 (potassium voltage-gated channel modifier subfamily V member 2; plus strand). Cytogenetic location: 9p24.2.
Variant type: Deletion.
Coding change: c.1156_1164del on transcript NM_133497.4 (MANE Select); coding-DNA positions 1156 to 1164, 9 bases deleted (CGCATCCTC; older notation c.1156_1164delCGCATCCTC).
Protein change: p.Arg386_Leu388del.
Molecular consequence: inframe deletion.
Genome position (GRCh38, 1-based): chr9:2,718,895-2,718,903, CGCATCCTC deleted; deleting any 9 consecutive bases within chr9:2,718,893-2,718,903 gives the same sequence; the c. name uses the placement nearest the transcript's 3' end. VCF-style (leftmost placement, unchanged base first): chr9-2718892-TTCCGCATCC-T. GRCh37 (hg19) VCF-style: chr9-2718892-TTCCGCATCC-T.
Identifiers: ClinVar variation 2050009 (VCV002050009.4), dbSNP rs2536973919, ClinGen allele CA2580080206.

ClinVar aggregate classification (germline): Uncertain significance (1 of 4 stars; one submission).

Submission:

Labcorp Genetics (formerly Invitae), Labcorp
Classification: Uncertain significance. Last evaluated: 2021-12-20. Review status: criteria provided, single submitter. Criteria: Invitae Variant Classification Sherloc (09022015). Collection method: clinical testing. Allele origin: germline.
Comment: In summary, the available evidence is currently insufficient to determine the role of this variant in disease. Therefore, it has been classified as a Variant of Uncertain Significance. This variant has not been reported in the literature in individuals affected with KCNV2-related conditions. This variant is not present in population databases (gnomAD no frequency). This variant, c.1156_1164del, results in the deletion of 3 amino acid(s) of the KCNV2 protein (p.Arg386_Leu388del), but otherwise preserves the integrity of the reading frame.